The following is an entry in ClinVar:

NC_000016.9:g.(?_2089925)_(2107460_?)del

Genes: NTHL1 (nth like DNA glycosylase 1; minus strand), TSC2 (TSC complex subunit 2; plus strand). Cytogenetic location: 16p13.3.
Variant type: Deletion.
Identifiers: ClinVar variation 2423286 (VCV002423286.4).

ClinVar aggregate classification (germline): Pathogenic (1 of 4 stars; one submission).

Conditions:
Tuberous sclerosis 2 (TSC2). Identifiers: Orphanet 805, MedGen C1860707, MONDO:0013199, OMIM 613254.

Submission:

Labcorp Genetics (formerly Invitae), Labcorp
Classification: Pathogenic for Tuberous sclerosis 2. Last evaluated: 2021-12-03. Review status: criteria provided, single submitter. Criteria: Invitae Variant Classification Sherloc (09022015). Collection method: clinical testing. Allele origin: germline.
Comment: For these reasons, this variant has been classified as Pathogenic. This variant has not been reported in the literature in individuals affected with TSC2-related conditions. This variant is a gross deletion of the genomic region encompassing exon(s) 1-9 of the TSC2 gene, which includes the initiator codon. This deletion extends beyond the assayed region for this gene and therefore may encompass additional genes. It is expected to result in an absent or disrupted protein product. Loss-of-function variants in TSC2 are known to be pathogenic (PMID: 10205261, 17304050).

Literature cited by the submitters: PubMed 10205261; PubMed 17304050.